The following continues an entry in ClinVar:

NM_000051.4(ATM):c.5908C>T (p.Gln1970Ter)

ClinVar aggregate classification (germline): Pathogenic/Likely pathogenic. Pathogenic (16); Likely pathogenic (1).

Submissions 14 to 18 of 18:

Sema4
Classification: Pathogenic for Hereditary cancer-predisposing syndrome. Last evaluated: 2021-01-11. Review status: criteria provided, single submitter. Criteria: Sema4 Curation Guidelines. Collection method: curation. Allele origin: germline.
Comment: The ATM c.5908C>T p.Q1970X stopgain variant has been reported as homozygous in 11 patients and presumed compound heterozygous in 8 patients with ataxia-telangiectasia in Costa Rican, and reported as a founder variant in the Costa Rican population (PMID: 9443866). It has also been reported in at least two individuals with pancreatic cancer (PMID: 29506128, 31285527). As this variant is predicted to cause nonsense-mediated decay, the protein product is expected to be absent or truncated. This variant was observed in 8/34530 chromosomes in the Latino population, according to the Genome Aggregation Database (PMID: 27535533). Based on the current evidence available, this variant is interpreted as pathogenic.

Fulgent Genetics
Classification: Pathogenic for Familial cancer of breast; Ataxia-telangiectasia syndrome. Last evaluated: 2018-10-31. Review status: criteria provided, single submitter. Criteria: ACMG Guidelines, 2015. Collection method: clinical testing. Allele origin: unknown.

Human Genome Sequencing Center Clinical Lab, Baylor College of Medicine
Classification: Pathogenic for Susceptibility to breast cancer; Ataxia-telangiectasia. Last evaluated: 2018-10-02. Review status: criteria provided, single submitter. Criteria: ACMG Guidelines, 2015. Collection method: clinical testing. Allele origin: germline.
Comment: The c.5908C>T (p.Gln1970*) variant in the ATM gene is predicted to introduce a premature translation termination codon, which is predicted to result in nonsense-mediated mRNA decay. This variant has a low frequency in large databases of genetic variation in the general population. This variant has been reported in multiple patients with Ataxia-telangiectasia in both homozygous and compound heterozygous state and is reported as the most common pathogenic ATM variant in Costa Rica (PMID 9443866, 9682216, 12815592 and 25793145). Bi-allelic variants in the ATM gene are associated with Ataxia-telangiectasia (MIM #208900). Therefore, the c.5908C>T (p.Gln1970*) variant in the ATM gene is classified as pathogenic.

Women's Health and Genetics/Laboratory Corporation of America, LabCorp
Classification: Pathogenic for Ataxia-telangiectasia syndrome. Last evaluated: 2016-12-09. Review status: criteria provided, single submitter. Criteria: LabCorp Variant Classification Summary - May 2015. Collection method: clinical testing. Allele origin: germline.
Comment: Variant summary: The ATM c.5908C>T (p.Gln1970X) variant results in a premature termination codon, predicted to cause a truncated or absent ATM protein due to nonsense mediated decay, which are commonly known mechanisms for disease. The variant of interest was not observed in controls (ExAC, 1000 Gs, or ESP). The variant of interest has been reported in multiple affected individuals via publications and has been implicated to be a Costa Rican founder mutation. In addition, multiple clinical diagnostic laboratories cite the variant as "pathogenic." Therefore, the variant of interest has been classified as "Pathogenic."

Counsyl
Classification: Pathogenic for Ataxia-telangiectasia syndrome. Last evaluated: 2016-03-08. Review status: no assertion criteria provided. Collection method: clinical testing. Allele origin: unknown. Not counted in ClinVar's aggregate classification.

Literature cited by the submitters: PubMed 25793145 (cited by 5 submitters); PubMed 23807571 (cited by Labcorp Genetics (formerly Invitae), Labcorp); PubMed 25614872 (cited by Labcorp Genetics (formerly Invitae), Labcorp); PubMed 9443866 (cited by 5 submitters); PubMed 12815592 (cited by 5 submitters); PubMed 29506128 (cited by 4 submitters); PubMed 31285527 (cited by 4 submitters); PubMed 9682216 (cited by 3 submitters); PubMed 28873162 (cited by Athena Diagnostics and Quest Diagnostics Nichols Institute San Juan Capistrano); PubMed 30128536 (cited by Athena Diagnostics and Quest Diagnostics Nichols Institute San Juan Capistrano).